The following is an entry in ClinVar:

ClinVar aggregate classification (germline): Pathogenic (1 of 4 stars; one submission).

Conditions:
Autosomal dominant Alport syndrome (ATS3A). Also called: ALPORT SYNDROME 3A, AUTOSOMAL DOMINANT; Alport syndrome dominant type; Renal failure and sensorineural hearing loss. Identifiers: Orphanet 63, Orphanet 88918, MedGen C5882663, MONDO:0007086, OMIM 104200.

gnomAD v4.1: 1 of 1,613,190 alleles (0.000062%); highest among the groups gnomAD compares: Non-Finnish European, 0.000085%; no homozygotes.

Submission:

Centre de Génétique Humaine, Institut de Pathologie Et de Génétique
Classification: Pathogenic for Autosomal dominant Alport syndrome. Last evaluated: 2026-04-02. Review status: criteria provided, single submitter. Criteria: ACMG Guidelines, 2015. Collection method: clinical testing. Allele origin: germline. Inheritance: Autosomal dominant inheritance. Affected: yes. Observed: 1 variant allele, 1 heterozygote. Segregation with disease not observed.
Comment: This missense variant involves a highly conserved glycine located in a ‘Gly-X-Y’ motif in collagenous region, which is characteristic of the pathogenic variants identified in the COL4A3 gene (PM1,PP2). Same amino acid change described as c.520G>A, p.(Gly174Arg) (PS1), PMID: 37097554; PMID: 39810285; PMID: 41872207. This variant is rare: allelic frequency of 0.00012% in gnomAD v4.1.0 database (PM2); In silico analysis supports that this missense variant has a deleterious effect (PP3).

NM_000091.5(COL4A3):c.520G>C (p.Gly174Arg)

Genes: COL4A3 (collagen type IV alpha 3 chain; plus strand), MFF-DT (MFF divergent transcript; minus strand). Cytogenetic location: 2q36.3.
Variant type: single nucleotide variant.
Coding change: c.520G>C on transcript NM_000091.5 (MANE Select); coding-DNA position 520, G replaced by C.
Protein change: p.Gly174Arg; replaces glycine 174 with arginine.
Molecular consequence: missense variant.
Genome position (GRCh38, 1-based): chr2:227,248,494, G>C. VCF-style: chr2-227248494-G-C. GRCh37 (hg19) VCF-style: chr2-228113210-G-C.
Other names: p.(Gly174Arg); short protein forms G174R.
Identifiers: ClinVar variation 4853865 (VCV004853865.1).